The following is an entry in ClinVar:

NM_199420.4(POLQ):c.6571C>A (p.His2191Asn)

Gene: POLQ (DNA polymerase theta; minus strand). Cytogenetic location: 3q13.33.
Variant type: single nucleotide variant.
Coding change: c.6571C>A on transcript NM_199420.4 (MANE Select); coding-DNA position 6571, C replaced by A.
Protein change: p.His2191Asn; replaces histidine 2191 with asparagine.
Molecular consequence: missense variant.
Genome position (GRCh38, 1-based): chr3:121,472,137, G>T on the plus strand (C>A on the coding strand, the complement: POLQ is on the minus strand). VCF-style: chr3-121472137-G-T. GRCh37 (hg19) VCF-style: chr3-121190984-G-T.
Other names: short protein forms H2191N.
Identifiers: ClinVar variation 3422642 (VCV003422642.1).

ClinVar aggregate classification (germline): Uncertain significance (1 of 4 stars; one submission).

Submission:

Ambry Genetics
Classification: Uncertain significance. Last evaluated: 2024-11-02. Review status: criteria provided, single submitter. Criteria: Ambry Variant Classification Scheme 2023. Collection method: clinical testing. Allele origin: germline.
Comment: The p.H2191N variant (also known as c.6571C>A), located in coding exon 22 of the POLQ gene, results from a C to A substitution at nucleotide position 6571. The histidine at codon 2191 is replaced by asparagine, an amino acid with similar properties. This amino acid position is conserved. In addition, the in silico prediction for this alteration is inconclusive. Based on the available evidence, the clinical significance of this variant remains unclear.